The following is an entry in ClinVar:

ClinVar aggregate classification (germline): Pathogenic. Review status: criteria provided, multiple submitters, no conflicts (2 of 4 stars). 15 submissions from 15 submitters: Pathogenic (14). 1 of the submissions does not count toward it. Last evaluated 2026-09-01.

Conditions:
GM1 gangliosidosis. Identifiers: Orphanet 354, MedGen C0085131, MONDO:0018149.
GLB1-related disorder. Also called: GLB1-related disorders. Identifiers: MedGen CN377807.
Mucopolysaccharidosis, MPS-IV-B (MPS4B). Also called: Mucopolysaccharidosis type IV B; Mucopolysaccharidosis Type IVB; MORQUIO SYNDROME B; Mucopolysaccharidosis type IVB (Morquio); MPS IVB; Mucopolysaccharidosis Type IVB (Morquio B Disease). Identifiers: Orphanet 309310, Orphanet 582, MedGen C0086652, MONDO:0009660, OMIM 253010.
GM1 gangliosidosis type 3. Also called: Gangliosidosis, Generalized GM1, Type 3; Beta-galactosidase deficiency; Adult GM1 gangliosidosis; Type 3 (adult) GM1 gangliosidosis; GM1-GANGLIOSIDOSIS, TYPE III; GANGLIOSIDOSIS, GENERALIZED GM1, ADULT TYPE. Identifiers: Orphanet 79257, MedGen C0268273, MONDO:0009262, OMIM 230650.
GM1 gangliosidosis type 2. Also called: Gangliosidosis, Generalized GM1, Type 2; Juvenile GM>1< gangliosidosis; GM1-GANGLIOSIDOSIS, TYPE II; GANGLIOSIDOSIS, GENERALIZED GM1, JUVENILE TYPE; GANGLIOSIDOSIS, GENERALIZED GM1, TYPE II. Identifiers: Orphanet 354, Orphanet 79256, MedGen C0268272, MONDO:0009261, OMIM 230600.
Infantile GM1 gangliosidosis. Also called: Gangliosidosis, Generalized GM1, Type 1; GM1-gangliosidosis, type I; Gangliosidosis, generalized GM1, infantile form; GLB1 deficiency; GM1 gangliosidosis type 1. Identifiers: Orphanet 354, Orphanet 79255, MedGen C0268271, MONDO:0009260, OMIM 230500.

Submissions (15):

CeGaT Center for Human Genetics Tuebingen
Classification: Pathogenic. Last evaluated: 2026-09-01. Review status: criteria provided, single submitter. Criteria: CeGaT Center For Human Genetics Tuebingen Variant Classification Criteria Version 2. Collection method: clinical testing. Allele origin: germline. Affected: yes. Observed: 4 variant alleles.
Comment: GLB1: PM3:Very Strong, PVS1, PM2

OLLIN Analises Genomicas, OLLIN
Classification: Pathogenic for Mucopolysaccharidosis, MPS-IV-B. Last evaluated: 2026-08-06. Review status: criteria provided, single submitter. Criteria: ACMG Guidelines 2015 PMID 25741868. Collection method: clinical testing. Allele origin: germline. Inheritance: Autosomal recessive inheritance.
Comment: This frameshift variant, located in exon 15 (of 16), has been reported in ClinVar (accession VCV002942836.4), in gnomAD with an allele frequency of 0.00068%, and in the scientific literature, in compound heterozygosity, in individuals with GLB1 related disorders (PMID: 10338095, 15986423, 16941474, 17309651, 25936995). This variant causes a frameshift and introduces a premature stop codon, which is predicted to result in either a truncated protein or degradation of the mRNA via nonsense-mediated decay (NMD). According to the currently available evidence, this variant has been classified as pathogenic (PVS1, PS4, PM2_P, PM3_VS).

Dasa
Classification: Pathogenic. Last evaluated: 2026-03-05. Review status: criteria provided, single submitter. Criteria: DASA Assertion Criteria. Collection method: clinical testing. Allele origin: germline.
Comment: NM_000404.4(GLB1):c.1577dup (p.Trp527Leufs*5) introduces a premature termination codon predicted to result in loss of normal protein function. Loss-of-function is an established mechanism of disease for this gene. This variant has been recurrently observed in individuals with related phenotype (PMID: 10338095; PMID: 15986423; PMID: 16941474; PMID: 17309651; PMID: 25936995). Segregation evidence has been reported in affected families. The variant is present at low frequency in population datasets. Based on the available data, this variant is classified as pathogenic.

Labcorp Genetics (formerly Invitae), Labcorp
Classification: Pathogenic for Mucopolysaccharidosis, MPS-IV-B; GM1 gangliosidosis. Last evaluated: 2025-12-14. Review status: criteria provided, single submitter. Criteria: Invitae Variant Classification Sherloc (09022015). Collection method: clinical testing. Allele origin: germline.
Comment: This sequence change creates a premature translational stop signal (p.Trp527Leufs*5) in the GLB1 gene. It is expected to result in an absent or disrupted protein product. Loss-of-function variants in GLB1 are known to be pathogenic (PMID: 18524657). This variant is present in population databases (rs794729217, gnomAD 0.003%). This premature translational stop signal has been observed in individual(s) with GM1 gangliosidosis (PMID: 10338095, 15986423, 16941474, 17309651, 25936995). This variant is also known as c.1622_1627insG,1606_1611insG, c.1577 1578insG, or c.1572_1577insG. ClinVar contains an entry for this variant (Variation ID: 202191). For these reasons, this variant has been classified as Pathogenic.

Department of Genetics, Rouen University Hospital, Normandy Center for Genomic and Personalized Medicine
Classification: Pathogenic for Infantile GM1 gangliosidosis. Last evaluated: 2025-03-26. Review status: criteria provided, single submitter. Criteria: ACMG Guidelines, 2015. Collection method: clinical testing. Allele origin: maternal. Affected: yes.

Natera, Inc.
Classification: Pathogenic for Mucopolysaccharidosis, MPS-IV-B. Last evaluated: 2025-02-28. Review status: criteria provided, single submitter. Criteria: Natera Variant Classification Schema (03/2026). Collection method: clinical testing. Allele origin: germline.
Comment: The c.1577dupG variant in GLB1 is a frameshift variant predicted to shift the reading frame beginning at codon 527 and leads to a stop codon 5 codons downstream. This variant is expected to result in nonsense mediated decay, truncation, or a dysfunctional protein product. This variant is rare in the general population with a frequency below the threshold expected for the associated phenotype(s). This variant has been observed in one or more individuals affected with the associated recessive disease, as either homozygous or compound heterozygous with a second variant (PMID: 26108645). Given the available evidence, this variant is classified as Pathogenic.

GeneDx
Classification: Pathogenic. Last evaluated: 2024-12-17. Review status: criteria provided, single submitter. Criteria: GeneDx Variant Classification Process June 2021. Collection method: clinical testing. Allele origin: germline. Affected: yes.
Comment: Frameshift variant predicted to result in protein truncation or nonsense mediated decay in a gene for which loss of function is a known mechanism of disease; Not observed at significant frequency in large population cohorts (gnomAD); This variant is associated with the following publications: (PMID: 15986423, 33737400, 31761138, 34258138, 33258288, 10338095)

Fulgent Genetics
Classification: Pathogenic for Infantile GM1 gangliosidosis; GM1 gangliosidosis type 2; GM1 gangliosidosis type 3; Mucopolysaccharidosis, MPS-IV-B. Last evaluated: 2024-03-14. Review status: criteria provided, single submitter. Criteria: ACMG Guidelines, 2015. Collection method: clinical testing. Allele origin: germline.

Laboratorio de Genetica e Diagnostico Molecular, Hospital Israelita Albert Einstein
Classification: Pathogenic for GM1 gangliosidosis type 3. Last evaluated: 2022-10-17. Review status: criteria provided, single submitter. Criteria: ACMG Guidelines, 2015. Collection method: clinical testing. Allele origin: germline. Affected: yes. Observed: 1 variant allele.
Comment: ACMG classification criteria: PVS1 very strong, PM2 moderated, PM3 very strong

Blueprint Genetics
Classification: Pathogenic for GLB1-related disorders. Last evaluated: 2021-11-18. Review status: criteria provided, single submitter. Criteria: ACMG Guidelines, 2015. Collection method: clinical testing. Allele origin: germline. Affected: yes. Observed: 1 variant allele.

Women's Health and Genetics/Laboratory Corporation of America, LabCorp
Classification: Pathogenic for GM1 gangliosidosis. Last evaluated: 2020-09-17. Review status: criteria provided, single submitter. Criteria: LabCorp Variant Classification Summary - May 2015. Collection method: clinical testing. Allele origin: germline.
Comment: Variant summary: GLB1 c.1577dupG (p.Trp527LeufsX5) results in a premature termination codon, predicted to cause a truncation of the encoded protein or absence of the protein due to nonsense mediated decay, which are commonly known mechanisms for disease. The variant allele was found at a frequency of 8.1e-06 in 247798 control chromosomes (gnomAD). c.1577dupG has been reported in the literature, in the compound heterozygous and homozygous state, in multiple individuals affected with GM1 Gangliosidosis (e.g. Silva_1999, Arash-Kaps_2019). These data indicate that the variant is very likely to be associated with disease. Five ClinVar submitters (evaluation after 2014) cite the variant as pathogenic. Based on the evidence outlined above, the variant was classified as pathogenic.

Mendelics
Classification: Pathogenic for GM1 gangliosidosis type 2. Last evaluated: 2019-05-28. Review status: criteria provided, single submitter. Criteria: Mendelics Assertion Criteria 2017. Collection method: clinical testing. Allele origin: unknown.

Genomic Research Center, Shahid Beheshti University of Medical Sciences
Classification: Pathogenic for GLB1-Related Disorders. Last evaluated: 2019-01-01. Review status: criteria provided, single submitter. Criteria: ACMG Guidelines, 2015. Collection method: clinical testing. Allele origin: inherited. Affected: yes. Observed: 1 variant allele.

Kariminejad - Najmabadi Pathology & Genetics Center
Classification: Pathogenic for Infantile GM1 gangliosidosis. Review status: criteria provided, single submitter. Criteria: ACMG Guidelines, 2015. Collection method: clinical testing. Allele origin: germline. Affected: no.

GeneReviews
No classification provided. Condition: Infantile GM1 gangliosidosis. Review status: no classification provided. Collection method: literature only. Allele origin: germline. Not counted in ClinVar's aggregate classification.
Comment: High prevalence in Brazilian population; associated with GM1 infantile form

Literature cited by the submitters: PubMed 10338095 (cited by 4 submitters); PubMed 15986423 (cited by 3 submitters); PubMed 16941474 (cited by 3 submitters); PubMed 17309651 (cited by 3 submitters); PubMed 25936995 (cited by 3 submitters); PubMed 18524657 (cited by Labcorp Genetics (formerly Invitae), Labcorp); PubMed 26108645 (cited by Natera, Inc.); PubMed 31761138 (cited by Women's Health and Genetics/Laboratory Corporation of America, LabCorp); PubMed 21637542 (cited by GeneReviews).

NM_000404.4(GLB1):c.1577dup (p.Trp527fs)

Gene: GLB1 (galactosidase beta 1; minus strand). Cytogenetic location: 3p22.3.
Variant type: Duplication.
Coding change: c.1577dup on transcript NM_000404.4 (MANE Select); coding-DNA position 1577, one base duplicated (G; older notation c.1577dupG).
Protein change: p.Trp527fs; shifts the reading frame from tryptophan 527.
Molecular consequence: frameshift variant.
Genome position (GRCh38, 1-based): chr3:33,014,213, C duplicated on the plus strand (G on the coding strand, the reverse complement: GLB1 is on the minus strand); the first of 6 consecutive C bases (chr3:33,014,213-33,014,218); duplicating any one gives the same sequence. VCF-style (leftmost placement, unchanged base first): chr3-33014212-G-GC. GRCh37 (hg19) VCF-style: chr3-33055704-G-GC.
Other names: 1622_1627insG; c.1577dup (NM_000404.2); c.1577dupG (NM_000404.4, NM_000404.2); c.1487dup, p.Trp497fs (NM_001079811.3); c.1184dup, p.Trp396fs (NM_001135602.3); c.1721dup, p.Trp575fs (NM_001317040.2); c.1577dup, p.Trp527fs (NM_001393580.1); short protein forms W527fs, W575fs, W497fs, W396fs.
Identifiers: ClinVar variation 202191 (VCV000202191.63), dbSNP rs794729217, ClinGen allele CA203855.